The following is an entry in ClinVar:

NM_001177316.2(SLC34A3):c.-39-94C>T

Gene: SLC34A3 (solute carrier family 34 member 3; plus strand). Cytogenetic location: 9q34.3.
Variant type: single nucleotide variant.
Coding change: c.-39-94C>T on transcript NM_001177316.2 (MANE Select); 94 bases into the intron before 39 bases upstream of the start codon, C replaced by T.
Molecular consequence: intron variant.
Genome position (GRCh38, 1-based): chr9:137,231,570, C>T. VCF-style: chr9-137231570-C-T. GRCh37 (hg19) VCF-style: chr9-140126022-C-T.
Other names: c.-42-91C>T (NM_001177317.2); c.-39-94C>T (NM_080877.3).
Identifiers: ClinVar variation 496511 (VCV000496511.2), dbSNP rs1554782458, ClinGen allele CA658683559.

ClinVar aggregate classification (germline): Uncertain significance (1 of 4 stars; one submission).

Submission:

Women's Health and Genetics/Laboratory Corporation of America, LabCorp
Classification: Uncertain significance. Last evaluated: 2016-06-15. Review status: criteria provided, single submitter. Criteria: LabCorp Variant Classification Summary - May 2015. Collection method: clinical testing. Allele origin: germline.
Comment: Variant summary: c.-34-94C>T in SLC34A3 gene involves a non-conserved nucleotide in the 5' UTR region. 4/5 programs in Alamut predict that this variant does not affect a normal splicing, however these predictions should be taken with cautions as AlaMut should not be used for UTR variants; no functional studies supporting these predictions were published at the time of evaluation. The region containing the variant of interest is not covered in ExAC, ESP or 1000Gs therefore the carrier frequency of this variant in general population cannot be assessed at the present moment. The variant of interest has not, to our knowledge, been reported in affected individuals in published reports or cited by reputable databases/clinical laboratory. Because of the absence of clinical information and the lack of functional studies, the variant was classified as a variant of uncertain significance (VUS) until additional information becomes available..